The following is an entry in ClinVar:

NM_004064.5(CDKN1B):c.569A>G (p.Lys190Arg)

Gene: CDKN1B (cyclin dependent kinase inhibitor 1B; plus strand). Cytogenetic location: 12p13.1.
Variant type: single nucleotide variant.
Coding change: c.569A>G on transcript NM_004064.5 (MANE Select); coding-DNA position 569, A replaced by G.
Protein change: p.Lys190Arg; replaces lysine 190 with arginine.
Molecular consequence: missense variant.
Genome position (GRCh38, 1-based): chr12:12,718,918, A>G. VCF-style: chr12-12718918-A-G. GRCh37 (hg19) VCF-style: chr12-12871852-A-G.
Other names: short protein forms K190R.
Identifiers: ClinVar variation 1045437 (VCV001045437.13), dbSNP rs774102258, ClinGen allele CA383973159.

ClinVar aggregate classification (germline): Uncertain significance. Review status: criteria provided, multiple submitters, no conflicts (2 of 4 stars). 3 submissions from 3 submitters: Uncertain significance (3). Last evaluated 2025-12-15.

Conditions:
Multiple endocrine neoplasia type 4. Also called: MULTIPLE ENDOCRINE NEOPLASIA, TYPE IV. Identifiers: Orphanet 276152, MedGen C1970712, MONDO:0012552, OMIM 610755.
Hereditary cancer-predisposing syndrome. Also called: Hereditary Cancer Syndrome; Neoplastic Syndromes, Hereditary; Tumor predisposition; Hereditary neoplastic syndrome. Identifiers: Orphanet 140162, MedGen C0027672, MeSH D009386, MONDO:0015356.

gnomAD v4.1: 2 of 1,614,176 alleles (0.00012%); highest among the groups gnomAD compares: Middle Eastern, 0.017%; no homozygotes.

Submissions (3):

Ambry Genetics
Classification: Uncertain significance for Hereditary cancer-predisposing syndrome. Last evaluated: 2025-12-15. Review status: criteria provided, single submitter. Criteria: Ambry Variant Classification Scheme 2023. Collection method: clinical testing. Allele origin: germline.
Comment: The p.K190R variant (also known as c.569A>G), located in coding exon 2 of the CDKN1B gene, results from an A to G substitution at nucleotide position 569. The lysine at codon 190 is replaced by arginine, an amino acid with highly similar properties. This amino acid position is highly conserved in available vertebrate species. In addition, this alteration is predicted to be tolerated by in silico analysis. Since supporting evidence is limited at this time, the clinical significance of this alteration remains unclear.

Labcorp Genetics (formerly Invitae), Labcorp
Classification: Uncertain significance for Multiple endocrine neoplasia type 4. Last evaluated: 2025-03-16. Review status: criteria provided, single submitter. Criteria: Invitae Variant Classification Sherloc (09022015). Collection method: clinical testing. Allele origin: germline.
Comment: This sequence change replaces lysine, which is basic and polar, with arginine, which is basic and polar, at codon 190 of the CDKN1B protein (p.Lys190Arg). This variant is not present in population databases (gnomAD no frequency). This variant has not been reported in the literature in individuals affected with CDKN1B-related conditions. ClinVar contains an entry for this variant (Variation ID: 1045437). An algorithm developed to predict the effect of missense changes on protein structure and function (PolyPhen-2) suggests that this variant is likely to be disruptive. In summary, the available evidence is currently insufficient to determine the role of this variant in disease. Therefore, it has been classified as a Variant of Uncertain Significance.

Baylor Genetics
Classification: Uncertain significance for Multiple endocrine neoplasia type 4. Last evaluated: 2021-07-22. Review status: criteria provided, single submitter. Criteria: ACMG Guidelines, 2015. Collection method: clinical testing. Allele origin: unknown. Affected: yes. Study: CSER-TexasKidsCanSeq.
Comment: This variant was determined to be of uncertain significance according to ACMG Guidelines, 2015 [PMID:25741868].